The following is an entry in ClinVar:

ClinVar aggregate classification (germline): Uncertain significance. Review status: criteria provided, multiple submitters, no conflicts (2 of 4 stars). 2 submissions from 2 submitters: Uncertain significance (2). Last evaluated 2023-06-19.

gnomAD v4.1: 4 of 1,613,484 alleles (0.00025%); highest among the groups gnomAD compares: African/African-American, 0.0027%; no homozygotes.

Submissions (2):

Women's Health and Genetics/Laboratory Corporation of America, LabCorp
Classification: Uncertain significance. Last evaluated: 2023-06-19. Review status: criteria provided, single submitter. Criteria: LabCorp Variant Classification Summary - May 2015. Collection method: clinical testing. Allele origin: germline.
Comment: Variant summary: TTN c.68585T>C (p.Ile22862Thr) results in a non-conservative amino acid change located in the A-band region of the encoded protein sequence. Three of five in-silico tools predict a damaging effect of the variant on protein function. The variant was absent in 248516 control chromosomes in GnomAD. The available data on variant occurrences in the general population are insufficient to allow any conclusion about variant significance. To our knowledge, no occurrence of c.68585T>C in individuals affected with Dilated Cardiomyopathy and no experimental evidence demonstrating its impact on protein function have been reported. One clinical diagnostic laboratory has submitted clinical-significance assessment (uncertain significance) for this variant to ClinVar after 2014 without evidence for independent evaluation. Based on the evidence outlined above, the variant was classified as uncertain significance.

GeneDx
Classification: Uncertain significance. Last evaluated: 2021-02-24. Review status: criteria provided, single submitter. Criteria: GeneDx Variant Classification Process June 2021. Collection method: clinical testing. Allele origin: germline. Affected: yes.
Comment: Not observed in large population cohorts (Lek et al., 2016)

NM_001267550.2(TTN):c.76289T>C (p.Ile25430Thr)

Genes: TTN (titin; minus strand), TTN-AS1 (TTN antisense RNA 1; plus strand). Cytogenetic location: 2q31.2.
Variant type: single nucleotide variant.
Coding change: c.76289T>C on transcript NM_001267550.2 (MANE Select); coding-DNA position 76289, T replaced by C.
Protein change: p.Ile25430Thr; replaces isoleucine 25430 with threonine.
Molecular consequence: missense variant.
Genome position (GRCh38, 1-based): chr2:178,569,843, A>G on the plus strand (T>C on the coding strand, the complement: TTN is on the minus strand). VCF-style: chr2-178569843-A-G. GRCh37 (hg19) VCF-style: chr2-179434570-A-G.
Other names: c.71366T>C, p.Ile23789Thr (NM_001256850.1); c.49094T>C, p.Ile16365Thr (NM_003319.4); c.68585T>C, p.Ile22862Thr (NM_133378.4); c.49469T>C, p.Ile16490Thr (NM_133432.3); c.49670T>C, p.Ile16557Thr (NM_133437.4); short protein forms I16365T, I16490T, I16557T, I22862T, I23789T, I25430T.
Identifiers: ClinVar variation 1211001 (VCV001211001.4), dbSNP rs2154168088, ClinGen allele CA349616097.